The following is an entry in ClinVar:

ClinVar aggregate classification (germline): Uncertain significance (1 of 4 stars; one submission).

Conditions:
Hypertrophic cardiomyopathy. Also called: HYPERTROPHIC MYOCARDIOPATHY. Identifiers: Orphanet 217569, MedGen C0007194, MeSH D002312, MONDO:0005045, HP:0001639.

Submission:

Labcorp Genetics (formerly Invitae), Labcorp
Classification: Uncertain significance for Hypertrophic cardiomyopathy. Last evaluated: 2025-08-06. Review status: criteria provided, single submitter. Criteria: Invitae Variant Classification Sherloc (09022015). Collection method: clinical testing. Allele origin: germline.
Comment: This sequence change falls in intron 2 of the MYBPC3 gene. It does not directly change the encoded amino acid sequence of the MYBPC3 protein. It affects a nucleotide within the consensus splice site. This variant is not present in population databases (gnomAD no frequency). This variant has not been reported in the literature in individuals affected with MYBPC3-related conditions. ClinVar contains an entry for this variant (Variation ID: 1392710). Variants that disrupt the consensus splice site are a relatively common cause of aberrant splicing (PMID: 17576681, 9536098). Algorithms developed to predict the effect of sequence changes on RNA splicing suggest that this variant is not likely to affect RNA splicing. In summary, the available evidence is currently insufficient to determine the role of this variant in disease. Therefore, it has been classified as a Variant of Uncertain Significance.

Literature cited by the submitters: PubMed 17576681; PubMed 9536098.

NM_000256.3(MYBPC3):c.292+4A>G

Gene: MYBPC3 (myosin binding protein C3; minus strand). Cytogenetic location: 11p11.2.
Variant type: single nucleotide variant.
Coding change: c.292+4A>G on transcript NM_000256.3 (MANE Select); 4 bases into the intron after coding-DNA position 292, A replaced by G.
Molecular consequence: intron variant.
Genome position (GRCh38, 1-based): chr11:47,351,235, T>C on the plus strand (A>G on the coding strand, the complement: MYBPC3 is on the minus strand). VCF-style: chr11-47351235-T-C. GRCh37 (hg19) VCF-style: chr11-47372786-T-C.
Identifiers: ClinVar variation 1392710 (VCV001392710.5), dbSNP rs2142869306, ClinGen allele CA2573147278.
Genomic context (GRCh38, chr11:47,351,235, plus strand): 5'-AGAGTCGCTGGGCTGCCCCTCCCCCAGCAGCCCAAACCTCAGGGAAGGCTGATCAGGATC[T>C]TACCTGCCTCTATGACCTTGAGGTCGAACTTGACCTTGGAGGAGCCAGCAATGACTGCGT-3'